The following is an entry in ClinVar:

ClinVar aggregate classification (germline): Uncertain significance. Review status: criteria provided, multiple submitters, no conflicts (2 of 4 stars). 3 submissions from 3 submitters: Uncertain significance (3). Last evaluated 2024-11-27.

Conditions:
Charcot-Marie-Tooth disease, type I (CMT1). Also called: Charcot-Marie-Tooth, Type 1; Charcot-Marie-Tooth disease type 1. Identifiers: Orphanet 65753, MedGen C0751036, MONDO:0019011.

Allele frequency attached by ClinVar (database versions not stated): TOPMed 0.00001.
gnomAD v4.1: 22 of 1,613,998 alleles (0.0014%); highest among the groups gnomAD compares: East Asian, 0.0045%; no homozygotes.

Submissions (3):

Athena Diagnostics
Classification: Uncertain significance. Last evaluated: 2024-11-27. Review status: criteria provided, single submitter. Criteria: Athena Diagnostics Criteria. Collection method: clinical testing. Allele origin: unknown.
Comment: Available data are insufficient to determine the clinical significance of the variant at this time. This variant has not been reported in large, multi-ethnic general populations. Polyphen and MutationTaster yielded discordant predictions regarding whether this amino acid change is damaging to the protein.

Labcorp Genetics (formerly Invitae), Labcorp
Classification: Uncertain significance for Charcot-Marie-Tooth disease, type I. Last evaluated: 2024-05-04. Review status: criteria provided, single submitter. Criteria: Invitae Variant Classification Sherloc (09022015). Collection method: clinical testing. Allele origin: germline.
Comment: This sequence change replaces arginine, which is basic and polar, with histidine, which is basic and polar, at codon 159 of the PMP22 protein (p.Arg159His). This variant is not present in population databases (gnomAD no frequency). This missense change has been observed in individual(s) with clinical features of PMP22-related conditions (Invitae). ClinVar contains an entry for this variant (Variation ID: 570254). An algorithm developed to predict the effect of missense changes on protein structure and function (PolyPhen-2) suggests that this variant is likely to be disruptive. This variant disrupts the p.Arg159Cys amino acid residue in PMP22. Other variant(s) that disrupt this residue have been observed in individuals with PMP22-related conditions (PMID: 21337347), which suggests that this may be a clinically significant amino acid residue. In summary, the available evidence is currently insufficient to determine the role of this variant in disease. Therefore, it has been classified as a Variant of Uncertain Significance.

GeneDx
Classification: Uncertain significance. Last evaluated: 2023-06-28. Review status: criteria provided, single submitter. Criteria: GeneDx Variant Classification Process June 2021. Collection method: clinical testing. Allele origin: germline. Affected: yes.
Comment: Not observed at significant frequency in large population cohorts (gnomAD); In silico analysis supports that this missense variant has a deleterious effect on protein structure/function; Has not been previously published as pathogenic or benign to our knowledge

Literature cited by the submitters: PubMed 21337347 (cited by Labcorp Genetics (formerly Invitae), Labcorp).

NM_000304.4(PMP22):c.476G>A (p.Arg159His)

Gene: PMP22 (peripheral myelin protein 22; minus strand). Cytogenetic location: 17p12.
Variant type: single nucleotide variant.
Coding change: c.476G>A on transcript NM_000304.4 (MANE Select); coding-DNA position 476, G replaced by A.
Protein change: p.Arg159His; replaces arginine 159 with histidine.
Molecular consequence: missense variant. On other transcripts: non-coding transcript variant (2).
Genome position (GRCh38, 1-based): chr17:15,230,924, C>T on the plus strand (G>A on the coding strand, the complement: PMP22 is on the minus strand). VCF-style: chr17-15230924-C-T. GRCh37 (hg19) VCF-style: chr17-15134241-C-T.
Other names: c.476G>A, p.Arg159His (NM_001281455.2, NM_001281456.2, NM_153321.3 and 1 more transcripts); c.476G>A (NM_000304.2); short protein forms R159H.
Identifiers: ClinVar variation 570254 (VCV000570254.7), dbSNP rs773478255, ClinGen allele CA288864488.